The following is an entry in ClinVar:

ClinVar aggregate classification (germline): Uncertain significance (1 of 4 stars; one submission).

Conditions:
Congenital myasthenic syndrome 8. Also called: MYASTHENIC SYNDROME, CONGENITAL, DUE TO AGRIN DEFICIENCY; Myasthenic syndrome, congenital, 8, with pre- and postsynaptic defects. Identifiers: Orphanet 590, MedGen C3808739, MONDO:0014052, OMIM 615120.

Allele frequency attached by ClinVar (database versions not stated): TOPMed 0.00001.
gnomAD v4.1: 17 of 1,613,812 alleles (0.0011%); highest among the groups gnomAD compares: East Asian, 0.033%; no homozygotes.

Submission:

Labcorp Genetics (formerly Invitae), Labcorp
Classification: Uncertain significance for Congenital myasthenic syndrome 8. Last evaluated: 2021-09-01. Review status: criteria provided, single submitter. Criteria: Invitae Variant Classification Sherloc (09022015). Collection method: clinical testing. Allele origin: germline.
Comment: This sequence change replaces arginine with tryptophan at codon 1872 of the AGRN protein (p.Arg1872Trp). The arginine residue is moderately conserved and there is a moderate physicochemical difference between arginine and tryptophan. This variant is present in population databases (rs751301380, ExAC 0.01%). This variant has not been reported in the literature in individuals affected with AGRN-related conditions. Algorithms developed to predict the effect of missense changes on protein structure and function are either unavailable or do not agree on the potential impact of this missense change (SIFT: "Deleterious"; PolyPhen-2: "Probably Damaging"; Align-GVGD: "Class C0"). In summary, the available evidence is currently insufficient to determine the role of this variant in disease. Therefore, it has been classified as a Variant of Uncertain Significance.

NM_198576.4(AGRN):c.5614C>T (p.Arg1872Trp)

Gene: AGRN (agrin; plus strand). Cytogenetic location: 1p36.33.
Variant type: single nucleotide variant.
Coding change: c.5614C>T on transcript NM_198576.4 (MANE Select); coding-DNA position 5614, C replaced by T.
Protein change: p.Arg1872Trp; replaces arginine 1872 with tryptophan.
Molecular consequence: missense variant.
Genome position (GRCh38, 1-based): chr1:1,051,778, C>T. VCF-style: chr1-1051778-C-T. GRCh37 (hg19) VCF-style: chr1-987158-C-T.
Other names: c.5626C>T, p.Arg1876Trp (NM_001305275.2); c.5311C>T, p.Arg1771Trp (NM_001364727.2); short protein forms R1872W, R1771W, R1876W.
Identifiers: ClinVar variation 1522880 (VCV001522880.5), dbSNP rs751301380, ClinGen allele CA510108.
Genomic context (GRCh38, chr1:1,051,778, plus strand): 5'-TATCTCACAGGGCTGGTGGAGAAGTCAGCGGGGGACGTGGATACCTTGGCCTTTGACGGG[C>T]GGACCTTTGTCGAGTACCTCAACGCTGTGACCGAGAGGTAACGTGCCATCCTCTGCTGGC-3'
Protein context (NP_940978.2, residues 1862-1882): GDVDTLAFDG[Arg1872Trp]TFVEYLNAVT